The following is an entry in ClinVar:

NM_004589.4(SCO1):c.164C>T (p.Ser55Leu)

Genes: SCO1 (synthesis of cytochrome C oxidase 1; minus strand), LOC112529895 (Sharpr-MPRA regulatory region 5903; plus strand). Cytogenetic location: 17p13.1.
Variant type: single nucleotide variant.
Coding change: c.164C>T on transcript NM_004589.4 (MANE Select); coding-DNA position 164, C replaced by T.
Protein change: p.Ser55Leu; replaces serine 55 with leucine.
Molecular consequence: missense variant.
Genome position (GRCh38, 1-based): chr17:10,697,344, G>A on the plus strand (C>T on the coding strand, the complement: SCO1 is on the minus strand). VCF-style: chr17-10697344-G-A. GRCh37 (hg19) VCF-style: chr17-10600661-G-A.
Other names: short protein forms S55L.
Identifiers: ClinVar variation 2082632 (VCV002082632.1), dbSNP rs771265237, ClinGen allele CA8393699.

ClinVar aggregate classification (germline): Uncertain significance (1 of 4 stars; one submission).

Allele frequency attached by ClinVar (database versions not stated): gnomAD exomes below 0.00001; TOPMed below 0.00001; ExAC 0.00007.
gnomAD v4.1: 4 of 1,579,494 alleles (0.00025%); highest among the groups gnomAD compares: East Asian, 0.0023%; no homozygotes.

Submission:

Labcorp Genetics (formerly Invitae), Labcorp
Classification: Uncertain significance. Last evaluated: 2022-08-03. Review status: criteria provided, single submitter. Criteria: Invitae Variant Classification Sherloc (09022015). Collection method: clinical testing. Allele origin: germline.
Comment: This sequence change replaces serine, which is neutral and polar, with leucine, which is neutral and non-polar, at codon 55 of the SCO1 protein (p.Ser55Leu). The frequency data for this variant in the population databases is considered unreliable, as metrics indicate poor data quality at this position in the gnomAD database. This variant has not been reported in the literature in individuals affected with SCO1-related conditions. Algorithms developed to predict the effect of missense changes on protein structure and function (SIFT, PolyPhen-2, Align-GVGD) all suggest that this variant is likely to be tolerated. In summary, the available evidence is currently insufficient to determine the role of this variant in disease. Therefore, it has been classified as a Variant of Uncertain Significance.